The following is an entry in ClinVar:

ClinVar aggregate classification (germline): Uncertain significance (1 of 4 stars; one submission).

Conditions:
Nephronophthisis 15 (NPHP15). Identifiers: Orphanet 3156, MedGen C3541853, MONDO:0013917, OMIM 614845.

Submission:

Labcorp Genetics (formerly Invitae), Labcorp
Classification: Uncertain significance for Nephronophthisis 15. Last evaluated: 2022-07-19. Review status: criteria provided, single submitter. Criteria: Invitae Variant Classification Sherloc (09022015). Collection method: clinical testing. Allele origin: germline.
Comment: In summary, the available evidence is currently insufficient to determine the role of this variant in disease. Therefore, it has been classified as a Variant of Uncertain Significance. Algorithms developed to predict the effect of missense changes on protein structure and function output the following: SIFT: "Tolerated"; PolyPhen-2: "Benign"; Align-GVGD: "Class C0". The aspartic acid amino acid residue is found in multiple mammalian species, which suggests that this missense change does not adversely affect protein function. This variant has not been reported in the literature in individuals affected with CEP164-related conditions. This variant is not present in population databases (gnomAD no frequency). This sequence change replaces glutamic acid, which is acidic and polar, with aspartic acid, which is acidic and polar, at codon 879 of the CEP164 protein (p.Glu879Asp).

NM_014956.5(CEP164):c.2637G>C (p.Glu879Asp)

Gene: CEP164 (centrosomal protein 164; plus strand). Cytogenetic location: 11q23.3.
Variant type: single nucleotide variant.
Coding change: c.2637G>C on transcript NM_014956.5 (MANE Select); coding-DNA position 2637, G replaced by C.
Protein change: p.Glu879Asp; replaces glutamic acid 879 with aspartic acid.
Molecular consequence: missense variant.
Genome position (GRCh38, 1-based): chr11:117,394,370, G>C. VCF-style: chr11-117394370-G-C. GRCh37 (hg19) VCF-style: chr11-117265086-G-C.
Other names: c.2646G>C, p.Glu882Asp (NM_001271933.2); short protein forms E882D, E879D.
Identifiers: ClinVar variation 1965792 (VCV001965792.4), dbSNP rs1360347739, ClinGen allele CA382727872.
Genomic context (GRCh38, chr11:117,394,370, plus strand): 5'-CTGCCGCAGCTTCCCACCGGTGGGCCCACCCTCCTTGCAGGAGAGGAAGCAGCGGGCTGA[G>C]CTTCTGGGGCACCTGACCGGAGAGCTGGAGCGCCTGCAGAGGGCCCATGAACGAGAACTG-3'
Protein context (NP_055771.4, residues 869-889): YEAEERKQRA[Glu879Asp]LLGHLTGELE